The following is an entry in ClinVar:

NM_006493.4(CLN5):c.965A>G (p.Tyr322Cys)

Gene: CLN5 (CLN5 lysosomal BMP synthase; plus strand). Cytogenetic location: 13q22.3.
Variant type: single nucleotide variant.
Coding change: c.965A>G on transcript NM_006493.4 (MANE Select); coding-DNA position 965, A replaced by G.
Protein change: p.Tyr322Cys; replaces tyrosine 322 with cysteine.
Molecular consequence: missense variant. On other transcripts: 3 prime UTR variant (1).
Genome position (GRCh38, 1-based): chr13:77,000,857, A>G. VCF-style: chr13-77000857-A-G. GRCh37 (hg19) VCF-style: chr13-77574992-A-G.
Other names: c.*414A>G (NM_001366624.2); short protein forms Y371C, Y322C.
Identifiers: ClinVar variation 3267812 (VCV003267812.3).

ClinVar aggregate classification (germline): Uncertain significance. Review status: criteria provided, multiple submitters, no conflicts (2 of 4 stars). 2 submissions from 2 submitters: Uncertain significance (2). Last evaluated 2024-06-11.

Conditions:
Neuronal ceroid lipofuscinosis 5 (CLN5). Also called: CEROID LIPOFUSCINOSIS, NEURONAL, 5, VARIABLE AGE AT ONSET; Neuronal ceroid lipofuscinosis Finnish variant; NEURONAL CEROID LIPOFUSCINOSIS, LATE INFANTILE, FINNISH VARIANT; CLN5-Related Neuronal Ceroid-Lipofuscinosis. Identifiers: Orphanet 168491, Orphanet 228360, MedGen C1850442, MONDO:0009745, OMIM 256731.
Inborn genetic diseases. Identifiers: MedGen C0950123, MeSH D030342.

Submissions (2):

Ambry Genetics
Classification: Uncertain significance for Inborn genetic diseases. Last evaluated: 2024-06-11. Review status: criteria provided, single submitter. Criteria: Ambry Variant Classification Scheme 2023. Collection method: clinical testing. Allele origin: germline.

Juno Genomics, Hangzhou Juno Genomics, Inc
Classification: Uncertain significance for Neuronal ceroid lipofuscinosis 5. Review status: criteria provided, single submitter. Criteria: ACMG Guidelines, 2015. Collection method: clinical testing. Allele origin: germline.
Comment: Absent from controls (or at extremely low frequency if recessive) in Genome Aggregation Database.;Multiple lines of computational evidence support a deleterious effect on the gene or gene product.